The following is an entry in ClinVar:

ClinVar aggregate classification (germline): Conflicting classifications of pathogenicity. Review status: criteria provided, conflicting classifications (1 of 4 stars). 3 submissions from 3 submitters: Uncertain significance (1); Likely benign (2). Last evaluated 2025-09-08.

Conditions:
Hyperuricemia, pulmonary hypertension, renal failure, alkalosis syndrome (HUPRAS). Also called: HUPRA SYNDROME; HYPERURICEMIA, PULMONARY HYPERTENSION, RENAL FAILURE, AND ALKALOSIS SYNDROME. Identifiers: Orphanet 363694, MedGen C3151209, MONDO:0013458, OMIM 613845.

Allele frequency attached by ClinVar (database versions not stated): ESP Exome Variant Server 0.00008; ExAC 0.00015; 1000 Genomes Project 30x 0.00016; gnomAD 0.00019 and 0.00020; 1000 Genomes Project 0.00020; TOPMed 0.00032.
gnomAD v4.1: 153 of 1,613,040 alleles (0.0095%); highest among the groups gnomAD compares: African/African-American, 0.04%; no homozygotes.

Submissions (3):

Labcorp Genetics (formerly Invitae), Labcorp
Classification: Likely benign. Last evaluated: 2025-09-08. Review status: criteria provided, single submitter. Criteria: Invitae Variant Classification Sherloc (09022015). Collection method: clinical testing. Allele origin: germline.

GeneDx
Classification: Likely benign. Last evaluated: 2018-03-12. Review status: criteria provided, single submitter. Criteria: GeneDx Variant Classification (06012015). Collection method: clinical testing. Allele origin: germline. Affected: yes.
Comment: This variant is considered likely benign or benign based on one or more of the following criteria: it is a conservative change, it occurs at a poorly conserved position in the protein, it is predicted to be benign by multiple in silico algorithms, and/or has population frequency not consistent with disease.

Illumina Laboratory Services, Illumina
Classification: Uncertain significance for Hyperuricemia, pulmonary hypertension, renal failure, alkalosis syndrome. Last evaluated: 2018-01-13. Review status: criteria provided, single submitter. Criteria: ICSL Variant Classification Criteria 13 December 2019. Collection method: clinical testing. Allele origin: germline.

NM_017827.4(SARS2):c.1347+10G>A

Gene: SARS2 (seryl-tRNA synthetase 2, mitochondrial; minus strand). Cytogenetic location: 19q13.2.
Variant type: single nucleotide variant.
Coding change: c.1347+10G>A on transcript NM_017827.4 (MANE Select); 10 bases into the intron after coding-DNA position 1347, G replaced by A.
Molecular consequence: intron variant.
Genome position (GRCh38, 1-based): chr19:38,916,027, C>T on the plus strand (G>A on the coding strand, the complement: SARS2 is on the minus strand). VCF-style: chr19-38916027-C-T. GRCh37 (hg19) VCF-style: chr19-39406667-C-T.
Other names: c.1353+10G>A (NM_001145901.2).
Identifiers: ClinVar variation 329210 (VCV000329210.12), dbSNP rs376335678, ClinGen allele CA9422771.